The following is an entry in ClinVar:

ClinVar aggregate classification (germline): Uncertain significance (1 of 4 stars; one submission).

Conditions:
Inborn genetic diseases. Identifiers: MedGen C0950123, MeSH D030342.

Submission:

Ambry Genetics
Classification: Uncertain significance for Inborn genetic diseases. Last evaluated: 2025-04-03. Review status: criteria provided, single submitter. Criteria: Ambry Variant Classification Scheme 2023. Collection method: clinical testing. Allele origin: germline.
Comment: The p.A49S variant (also known as c.145G>T), located in coding exon 1 of the SH2B3 gene, results from a G to T substitution at nucleotide position 145. The alanine at codon 49 is replaced by serine, an amino acid with similar properties. This amino acid position is conserved. In addition, this alteration is predicted to be tolerated by in silico analysis. Based on the available evidence, the clinical significance of this variant remains unclear.

NM_005475.3(SH2B3):c.145G>T (p.Ala49Ser)

Gene: SH2B3 (SH2B adaptor protein 3; plus strand). Cytogenetic location: 12q24.12.
Variant type: single nucleotide variant.
Coding change: c.145G>T on transcript NM_005475.3 (MANE Select); coding-DNA position 145, G replaced by T.
Protein change: p.Ala49Ser; replaces alanine 49 with serine.
Molecular consequence: missense variant.
Genome position (GRCh38, 1-based): chr12:111,418,290, G>T. VCF-style: chr12-111418290-G-T. GRCh37 (hg19) VCF-style: chr12-111856094-G-T.
Other names: short protein forms A49S.
Identifiers: ClinVar variation 3953415 (VCV003953415.1).